The following is an entry in ClinVar:

ClinVar aggregate classification (germline): Uncertain significance. Review status: criteria provided, multiple submitters, no conflicts (2 of 4 stars). 2 submissions from 2 submitters: Uncertain significance (2). Last evaluated 2022-07-19.

Conditions:
Osteogenesis imperfecta type 10 (OI10). Also called: OI, TYPE X. Identifiers: Orphanet 666, MedGen C3151211, MONDO:0013459, OMIM 613848.

Allele frequency attached by ClinVar (database versions not stated): ExAC 0.00003; gnomAD 0.00003; TOPMed 0.00012.

Submissions (2):

Labcorp Genetics (formerly Invitae), Labcorp
Classification: Uncertain significance. Last evaluated: 2022-07-19. Review status: criteria provided, single submitter. Criteria: Invitae Variant Classification Sherloc (09022015). Collection method: clinical testing. Allele origin: germline.
Comment: This sequence change replaces valine, which is neutral and non-polar, with methionine, which is neutral and non-polar, at codon 275 of the SERPINH1 protein (p.Val275Met). This variant is present in population databases (rs199679249, gnomAD 0.01%). This variant has not been reported in the literature in individuals affected with SERPINH1-related conditions. ClinVar contains an entry for this variant (Variation ID: 306109). Advanced modeling of protein sequence and biophysical properties (such as structural, functional, and spatial information, amino acid conservation, physicochemical variation, residue mobility, and thermodynamic stability) performed at Invitae indicates that this missense variant is not expected to disrupt SERPINH1 protein function. In summary, the available evidence is currently insufficient to determine the role of this variant in disease. Therefore, it has been classified as a Variant of Uncertain Significance.

Illumina Laboratory Services, Illumina
Classification: Uncertain significance for Osteogenesis imperfecta type 10. Last evaluated: 2018-01-13. Review status: criteria provided, single submitter. Criteria: ICSL Variant Classification Criteria 13 December 2019. Collection method: clinical testing. Allele origin: germline.

NM_001235.5(SERPINH1):c.823G>A (p.Val275Met)

Gene: SERPINH1 (serpin family H member 1; plus strand). Cytogenetic location: 11q13.5.
Variant type: single nucleotide variant.
Coding change: c.823G>A on transcript NM_001235.5 (MANE Select); coding-DNA position 823, G replaced by A.
Protein change: p.Val275Met; replaces valine 275 with methionine.
Molecular consequence: missense variant.
Genome position (GRCh38, 1-based): chr11:75,569,040, G>A. VCF-style: chr11-75569040-G-A. GRCh37 (hg19) VCF-style: chr11-75280085-G-A.
Other names: c.823G>A, p.Val275Met (NM_001207014.3); short protein forms V275M.
Identifiers: ClinVar variation 306109 (VCV000306109.9), dbSNP rs199679249, ClinGen allele CA6190931.
Genomic context (GRCh38, chr11:75,569,040, plus strand): 5'-ATCGTGGAGATGCCCCTGGCCCACAAGCTCTCCAGCCTCATCATCCTCATGCCCCATCAC[G>A]TGGAGCCTCTCGAGCGCCTTGAAAAGCTGCTAACCAAAGAGCAGCTGAAGATCTGGATGG-3'
Protein context (NP_001226.2, residues 265-285): SSLIILMPHH[Val275Met]EPLERLEKLL